The following is an entry in ClinVar:

ClinVar aggregate classification (germline): Benign/Likely benign. Review status: criteria provided, multiple submitters, no conflicts (2 of 4 stars). 2 submissions from 2 submitters: Benign (1); Likely benign (1). Last evaluated 2026-05-19.

Conditions:
Neurofibromatosis, type 1 (NF1). Also called: VON RECKLINGHAUSEN DISEASE; Neurofibromatosis, type I; NEUROFIBROMATOSIS, TYPE I, SOMATIC; Peripheral type neurofibromatosis. Identifiers: Orphanet 636, MedGen C0027831, MONDO:0018975, OMIM 162200. Disease mechanism: loss of function.

gnomAD v4.1: 1 of 1,614,096 alleles (0.000062%); highest among the groups gnomAD compares: Non-Finnish European, 0.000085%; no homozygotes.

Submissions (2):

Myriad Genetics, Inc.
Classification: Benign for Neurofibromatosis, type 1. Last evaluated: 2026-05-19. Review status: criteria provided, single submitter. Criteria: Myriad Autosomal Dominant, Autosomal Recessive and X-Linked Classification Criteria (2023). Collection method: clinical testing. Allele origin: unknown.
Comment: This variant is considered benign. This variant is intronic and is not expected to impact mRNA splicing.

Labcorp Genetics (formerly Invitae), Labcorp
Classification: Likely benign for Neurofibromatosis, type 1. Last evaluated: 2021-08-26. Review status: criteria provided, single submitter. Criteria: Invitae Variant Classification Sherloc (09022015). Collection method: clinical testing. Allele origin: germline.

NM_001042492.3(NF1):c.3870+11T>C

Gene: NF1 (neurofibromin 1; plus strand). Cytogenetic location: 17q11.2.
Variant type: single nucleotide variant.
Coding change: c.3870+11T>C on transcript NM_001042492.3 (MANE Select); 11 bases into the intron after coding-DNA position 3870, T replaced by C.
Molecular consequence: intron variant.
Genome position (GRCh38, 1-based): chr17:31,235,783, T>C. VCF-style: chr17-31235783-T-C. GRCh37 (hg19) VCF-style: chr17-29562801-T-C.
Other names: c.3870+11T>C (NM_000267.4).
Identifiers: ClinVar variation 1567376 (VCV001567376.9), dbSNP rs2151438106, ClinGen allele CA2573153396.
Genomic context (GRCh38, chr17:31,235,783, plus strand): 5'-TCTTCCGAGGCAACAGCTTGGCCAGTAAAATAATGACATTCTGTTTCAAGGTTTGTATCA[T>C]TCATTTTGTGTGTATGTGTGTGCTGAGGTATGTCAAGTAATGATTATGTACAGAATGTGC-3'